The following is an entry in ClinVar:

ClinVar aggregate classification (germline): Uncertain significance. Review status: criteria provided, multiple submitters, no conflicts (2 of 4 stars). 2 submissions from 2 submitters: Uncertain significance (2). Last evaluated 2025-09-02.

Conditions:
Inborn genetic diseases. Identifiers: MedGen C0950123, MeSH D030342.

gnomAD v4.1: 12 of 1,613,926 alleles (0.00074%); highest among the groups gnomAD compares: African/African-American, 0.004%; no homozygotes.

Submissions (2):

Labcorp Genetics (formerly Invitae), Labcorp
Classification: Uncertain significance. Last evaluated: 2025-09-02. Review status: criteria provided, single submitter. Criteria: Invitae Variant Classification Sherloc (09022015). Collection method: clinical testing. Allele origin: germline.
Comment: This sequence change replaces arginine, which is basic and polar, with cysteine, which is neutral and slightly polar, at codon 109 of the VPS13D protein (p.Arg109Cys). This variant is present in population databases (rs752134330, gnomAD 0.006%). This variant has not been reported in the literature in individuals affected with VPS13D-related conditions. ClinVar contains an entry for this variant (Variation ID: 3468271). Invitae Evidence Modeling of protein sequence and biophysical properties (such as structural, functional, and spatial information, amino acid conservation, physicochemical variation, residue mobility, and thermodynamic stability) indicates that this missense variant is not expected to disrupt VPS13D protein function with a negative predictive value of 80%. In summary, the available evidence is currently insufficient to determine the role of this variant in disease. Therefore, it has been classified as a Variant of Uncertain Significance.

Ambry Genetics
Classification: Uncertain significance for Inborn genetic diseases. Last evaluated: 2024-09-03. Review status: criteria provided, single submitter. Criteria: Ambry Variant Classification Scheme 2023. Collection method: clinical testing. Allele origin: germline.

NM_015378.4(VPS13D):c.325C>T (p.Arg109Cys)

Gene: VPS13D (vacuolar protein sorting 13 homolog D; plus strand). Cytogenetic location: 1p36.22.
Variant type: single nucleotide variant.
Coding change: c.325C>T on transcript NM_015378.4 (MANE Select); coding-DNA position 325, C replaced by T.
Protein change: p.Arg109Cys; replaces arginine 109 with cysteine.
Molecular consequence: missense variant.
Genome position (GRCh38, 1-based): chr1:12,244,395, C>T. VCF-style: chr1-12244395-C-T. GRCh37 (hg19) VCF-style: chr1-12304452-C-T.
Other names: c.325C>T, p.Arg109Cys (NM_018156.4); short protein forms R109C.
Identifiers: ClinVar variation 3468271 (VCV003468271.3).